The following is an entry in ClinVar:

ClinVar aggregate classification (germline): Uncertain significance (1 of 4 stars; one submission).

Allele frequency attached by ClinVar (database versions not stated): gnomAD exomes below 0.00001; TOPMed below 0.00001.
gnomAD v4.1: 3 of 1,614,162 alleles (0.00019%); highest among the groups gnomAD compares: Middle Eastern, 0.016%; no homozygotes.

Submission:

Labcorp Genetics (formerly Invitae), Labcorp
Classification: Uncertain significance. Last evaluated: 2022-06-20. Review status: criteria provided, single submitter. Criteria: Invitae Variant Classification Sherloc (09022015). Collection method: clinical testing. Allele origin: germline.
Comment: This sequence change replaces glutamic acid, which is acidic and polar, with lysine, which is basic and polar, at codon 1665 of the CEP250 protein (p.Glu1665Lys). This variant is not present in population databases (gnomAD no frequency). This variant has not been reported in the literature in individuals affected with CEP250-related conditions. Algorithms developed to predict the effect of missense changes on protein structure and function are either unavailable or do not agree on the potential impact of this missense change (SIFT: "Not Available"; PolyPhen-2: "Probably Damaging"; Align-GVGD: "Not Available"). In summary, the available evidence is currently insufficient to determine the role of this variant in disease. Therefore, it has been classified as a Variant of Uncertain Significance.

NM_007186.6(CEP250):c.4993G>A (p.Glu1665Lys)

Gene: CEP250 (centrosomal protein 250; plus strand). Cytogenetic location: 20q11.22.
Variant type: single nucleotide variant.
Coding change: c.4993G>A on transcript NM_007186.6 (MANE Select); coding-DNA position 4993, G replaced by A.
Protein change: p.Glu1665Lys; replaces glutamic acid 1665 with lysine.
Molecular consequence: missense variant.
Genome position (GRCh38, 1-based): chr20:35,503,362, G>A. VCF-style: chr20-35503362-G-A. GRCh37 (hg19) VCF-style: chr20-34091190-G-A.
Other names: c.3097G>A, p.Glu1033Lys (NM_001318219.1); short protein forms E1665K, E1033K.
Identifiers: ClinVar variation 1492552 (VCV001492552.6), dbSNP rs2064074772, ClinGen allele CA408750121.